The following is an entry in ClinVar:

ClinVar aggregate classification (germline): Uncertain significance (1 of 4 stars; one submission).

Conditions:
Pheochromocytoma. Also called: MAX-Related Hereditary Paraganglioma-Pheochromocytoma Syndrome. Identifiers: Orphanet 29072, MedGen C0031511, MONDO:0008233, OMIM 171300, HP:0002666.
Pheochromocytoma/paraganglioma syndrome 4. Also called: CAROTID BODY TUMORS AND MULTIPLE EXTRAADRENAL PHEOCHROMOCYTOMAS; PARAGANGLIOMA, FAMILIAL MALIGNANT; PARAGANGLIOMAS, HEREDITARY EXTRAADRENAL; PHEOCHROMOCYTOMA, FAMILIAL EXTRAADRENAL; Paragangliomas 4; SDHB-Related Hereditary Paraganglioma-Pheochromocytoma Syndrome (Paragangliomas 4). Identifiers: Orphanet 29072, MedGen C1861848, MONDO:0007273, OMIM 115310.
Gastrointestinal stromal tumor. Also called: Gastrointestinal stroma tumor; Gastrointestinal stromal tumor, somatic. Identifiers: Orphanet 44890, MedGen C0238198, MeSH D046152, MONDO:0011719, OMIM 606764, HP:0100723.

Submission:

Labcorp Genetics (formerly Invitae), Labcorp
Classification: Uncertain significance for Gastrointestinal stromal tumor; Pheochromocytoma/paraganglioma syndrome 4; Pheochromocytoma. Last evaluated: 2022-02-18. Review status: criteria provided, single submitter. Criteria: Invitae Variant Classification Sherloc (09022015). Collection method: clinical testing. Allele origin: germline.
Comment: Advanced modeling of protein sequence and biophysical properties (such as structural, functional, and spatial information, amino acid conservation, physicochemical variation, residue mobility, and thermodynamic stability) performed at Invitae indicates that this missense variant is expected to disrupt SDHB protein function. This sequence change replaces leucine, which is neutral and non-polar, with phenylalanine, which is neutral and non-polar, at codon 130 of the SDHB protein (p.Leu130Phe). This variant is not present in population databases (gnomAD no frequency). This variant has not been reported in the literature in individuals affected with SDHB-related conditions. Algorithms developed to predict the effect of sequence changes on RNA splicing suggest that this variant may disrupt the consensus splice site. In summary, the available evidence is currently insufficient to determine the role of this variant in disease. Therefore, it has been classified as a Variant of Uncertain Significance.

NM_003000.3(SDHB):c.388C>T (p.Leu130Phe)

Gene: SDHB (succinate dehydrogenase complex iron sulfur subunit B; minus strand). Cytogenetic location: 1p36.13.
Variant type: single nucleotide variant.
Coding change: c.388C>T on transcript NM_003000.3 (MANE Select); coding-DNA position 388, C replaced by T.
Protein change: p.Leu130Phe; replaces leucine 130 with phenylalanine.
Molecular consequence: missense variant.
Genome position (GRCh38, 1-based): chr1:17,028,635, G>A on the plus strand (C>T on the coding strand, the complement: SDHB is on the minus strand). VCF-style: chr1-17028635-G-A. GRCh37 (hg19) VCF-style: chr1-17355130-G-A.
Other names: short protein forms L130F.
Identifiers: ClinVar variation 1399491 (VCV001399491.6), dbSNP rs2101523045, ClinGen allele CA338274262.
Genomic context (GRCh38, chr1:17,028,635, plus strand): 5'-AAACCAGAGAGATGCAGAAACTCACGGGAACAAGATCCTTTATCACATACATGTGTGGAA[G>A]AGGGTAGATTTTTGAGACCTTATTGAGGTTGGTGTCAATCCTTCGGGTGCAAGCTAGAGT-3'
Protein context (NP_002991.2, residues 120-140): NLNKVSKIYP[Leu130Phe]PHMYVIKDLV